The following is an entry in ClinVar:

NM_005591.4(MRE11):c.1403A>G (p.Asp468Gly)

Gene: MRE11 (MRE11 double strand break repair nuclease; minus strand). Cytogenetic location: 11q21.
Variant type: single nucleotide variant.
Coding change: c.1403A>G on transcript NM_005591.4 (MANE Select); coding-DNA position 1403, A replaced by G.
Protein change: p.Asp468Gly; replaces aspartic acid 468 with glycine.
Molecular consequence: missense variant.
Genome position (GRCh38, 1-based): chr11:94,459,505, T>C on the plus strand (A>G on the coding strand, the complement: MRE11 is on the minus strand). VCF-style: chr11-94459505-T-C. GRCh37 (hg19) VCF-style: chr11-94192671-T-C.
Other names: c.1403A>G, p.Asp468Gly (NM_001330347.2, NM_001440460.1, NM_001440461.1 and 15 more transcripts); c.1328A>G, p.Asp443Gly (NM_001440471.1, NM_001440472.1, NM_001440479.1); c.1322A>G, p.Asp441Gly (NM_001440473.1, NM_001440477.1, NM_001440478.1); c.1058A>G, p.Asp353Gly (NM_001440482.1, NM_001440483.1, NM_001440484.1); c.935A>G, p.Asp312Gly (NM_001440485.1, NM_001440486.1, NM_001440487.1); short protein forms D312G, D443G, D468G, D353G, D441G.
Identifiers: ClinVar variation 4651066 (VCV004651066.1).

ClinVar aggregate classification (germline): Uncertain significance (1 of 4 stars; one submission).

Conditions:
Hereditary cancer-predisposing syndrome. Also called: Neoplastic Syndromes, Hereditary; Tumor predisposition; Hereditary Cancer Syndrome; Hereditary neoplastic syndrome. Identifiers: Orphanet 140162, MedGen C0027672, MeSH D009386, MONDO:0015356.

Submission:

Ambry Genetics
Classification: Uncertain significance for Hereditary cancer-predisposing syndrome. Last evaluated: 2025-10-11. Review status: criteria provided, single submitter. Criteria: Ambry Variant Classification Scheme 2023. Collection method: clinical testing. Allele origin: germline.
Comment: The p.D468G variant (also known as c.1403A>G), located in coding exon 12 of the MRE11A gene, results from an A to G substitution at nucleotide position 1403. The aspartic acid at codon 468 is replaced by glycine, an amino acid with similar properties. This amino acid position is conserved. In addition, the in silico prediction for this alteration is inconclusive. Based on the available evidence, the clinical significance of this variant remains unclear.